The following is an entry in ClinVar:

ClinVar aggregate classification (germline): Benign (0 of 4 stars; one submission).

Conditions:
beta Thalassemia (BTHAL). Also called: Cooley's anemia; Erythroblastic anemia; Mediterranean anemia. Identifiers: Orphanet 848, MedGen C0005283, MONDO:0019402. Disease mechanism: loss of function.

Submission:

Department of Medical Genetics, Yunnan Provincial Key Laboratory for Birth Defects and Genetic Diseases, The First People’s Hospital of Yunnan Province
Classification: Benign for beta-Thalassemia. Last evaluated: 2020-12-01. Review status: no assertion criteria provided. Collection method: clinical testing. Allele origin: inherited. Affected: yes. Observed: 2 variant alleles.

NM_000518.5(HBB):c.373C>A (p.Pro125Thr)

Genes: HBB (hemoglobin subunit beta; minus strand), LOC107133510 (origin of replication at HBB; plus strand), LOC110006319 (beta-globin gene 3' regulatory region; plus strand). Cytogenetic location: 11p15.4.
Variant type: single nucleotide variant.
Coding change: c.373C>A on transcript NM_000518.5 (MANE Select); coding-DNA position 373, C replaced by A.
Protein change: p.Pro125Thr; replaces proline 125 with threonine.
Molecular consequence: missense variant.
Genome position (GRCh38, 1-based): chr11:5,225,669, G>T on the plus strand (C>A on the coding strand, the complement: HBB is on the minus strand). VCF-style: chr11-5225669-G-T. GRCh37 (hg19) VCF-style: chr11-5246899-G-T.
Other names: short protein forms P125T.
Identifiers: ClinVar variation 995800 (VCV000995800.2), dbSNP rs35461710, ClinGen allele CA379273701.
Genomic context (GRCh38, chr11:5,225,669, plus strand): 5'-TGTGGGCCAGGGCATTAGCCACACCAGCCACCACTTTCTGATAGGCAGCCTGCACTGGTG[G>T]GGTGAATTCTTTGCCAAAGTGATGGGCCAGCACACAGACCAGCACGTTGCCCAGGAGCTG-3'
Protein context (NP_000509.1, residues 115-135): LAHHFGKEFT[Pro125Thr]PVQAAYQKVV